The following is an entry in ClinVar:

NM_174936.4(PCSK9):c.1503+20GT[27]

Gene: PCSK9 (proprotein convertase subtilisin/kexin type 9; plus strand). Cytogenetic location: 1p32.3.
Variant type: Microsatellite.
Coding change: c.1503+20GT[27] on transcript NM_174936.4 (MANE Select); 27 copies in a row of the 2-base unit GT starting at c.1503+20; the reference has 26 copies in a row; one copy, 2 bases duplicated.
Molecular consequence: intron variant.
Genome position (GRCh38, 1-based): chr1:55,058,717-55,058,718, GT duplicated; duplicating any 2 consecutive bases within chr1:55,058,667-55,058,718 gives the same sequence; the position shown is the placement nearest the transcript's 3' end. VCF-style (leftmost placement, unchanged base first): chr1-55058666-C-CGT. GRCh37 (hg19) VCF-style: chr1-55524339-C-CGT.
Other names: c.1503+70_1503+71dupGT (NM_174936.4).
Identifiers: ClinVar variation 928570 (VCV000928570.22), dbSNP rs35115360, ClinGen allele CA523275557.

ClinVar aggregate classification (germline): Benign/Likely benign. Review status: criteria provided, multiple submitters, no conflicts (2 of 4 stars). 4 submissions from 4 submitters: Benign (2); Likely benign (2). Last evaluated 2026-02-01.

Conditions:
Hypercholesterolemia, autosomal dominant, 3 (FHCL3). Also called: Familial Hypercholesterolemia, Autosomal Dominant, 3; PCSK9-Related Familial Hypercholesterolemia, Autosomal Dominant; Familial hypercholesterolemia 3. Identifiers: MedGen C1863551, MONDO:0011369, OMIM 603776.

Submissions (4):

Labcorp Genetics (formerly Invitae), Labcorp
Classification: Likely benign for Hypercholesterolemia, autosomal dominant, 3. Last evaluated: 2026-02-01. Review status: criteria provided, single submitter. Criteria: Invitae Variant Classification Sherloc (09022015). Collection method: clinical testing. Allele origin: germline.

ARUP Laboratories, Molecular Genetics and Genomics, ARUP Laboratories
Classification: Benign. Last evaluated: 2025-05-19. Review status: criteria provided, single submitter. Criteria: ARUP Molecular Germline Variant Investigation Process 2024. Collection method: clinical testing. Allele origin: germline.

Women's Health and Genetics/Laboratory Corporation of America, LabCorp
Classification: Benign. Last evaluated: 2025-02-10. Review status: criteria provided, single submitter. Criteria: LabCorp Variant Classification Summary - May 2015. Collection method: clinical testing. Allele origin: germline.
Comment: Variant summary: PCSK9 c.1503+70_1503+71dupGT is located at a position not widely known to affect splicing. Consensus agreement among computation tools predict no significant impact on normal splicing. However, these predictions have yet to be confirmed by functional studies. The variant allele was found at a frequency of 0.0059 in 1524524 control chromosomes, predominantly at a frequency of 0.016 within the African or African-American subpopulation in the gnomAD database, including 10 homozygotes. The observed variant frequency within African or African-American control individuals in the gnomAD database is approximately 426.66 fold of the estimated maximal expected allele frequency for a pathogenic variant in PCSK9 causing Familial Hypercholesterolemia phenotype (3.8e-05), strongly suggesting that the variant is a benign polymorphism found primarily in populations of African or African-American origin. To our knowledge, no occurrence of c.1503+70_1503+71dupGT in individuals affected with Familial Hypercholesterolemia and no experimental evidence demonstrating its impact on protein function have been reported. ClinVar contains an entry for this variant (Variation ID: 928570). Based on the evidence outlined above, the variant was classified as benign.

Blueprint Genetics
Classification: Likely benign. Last evaluated: 2024-11-26. Review status: criteria provided, single submitter. Criteria: ACMG Guidelines, 2015. Collection method: clinical testing. Allele origin: germline.